The following is an entry in ClinVar:

NM_181882.3(PRX):c.1283G>C (p.Gly428Ala)

Gene: PRX (periaxin; minus strand). Cytogenetic location: 19q13.2.
Variant type: single nucleotide variant.
Coding change: c.1283G>C on transcript NM_181882.3 (MANE Select); coding-DNA position 1283, G replaced by C.
Protein change: p.Gly428Ala; replaces glycine 428 with alanine.
Molecular consequence: missense variant. On other transcripts: 3 prime UTR variant (1).
Genome position (GRCh38, 1-based): chr19:40,397,069, C>G on the plus strand (G>C on the coding strand, the complement: PRX is on the minus strand). VCF-style: chr19-40397069-C-G. GRCh37 (hg19) VCF-style: chr19-40902976-C-G.
Other names: c.1568G>C, p.Gly523Ala (NM_001411127.1); c.*1488G>C (NM_020956.2); short protein forms G523A, G428A.
Identifiers: ClinVar variation 2142824 (VCV002142824.2), dbSNP rs1348725640, ClinGen allele CA405898708.
Genomic context (GRCh38, chr19:40,397,069, plus strand): 5'-GGAGCCTTGGGGAGCTTCACTTCAGGTCCCTTGGGCACCTTGACCTCGGGCCCTGACACT[C>G]CGATGCCAAGGGAGGGCATCTTGATGGTGGGCAGCTTCAGCTTGCTCTCTACAACTTCAG-3'
Protein context (NP_870998.2, residues 418-438): PTIKMPSLGI[Gly428Ala]VSGPEVKVPK

ClinVar aggregate classification (germline): Uncertain significance. Review status: criteria provided, multiple submitters, no conflicts (2 of 4 stars). 2 submissions from 2 submitters: Uncertain significance (2). Last evaluated 2024-08-20.

Conditions:
Charcot-Marie-Tooth disease type 4. Also called: Charcot-Marie-Tooth disease, type IV; Charcot-Marie-Tooth, Type 4. Identifiers: Orphanet 64749, MedGen C4082197, MONDO:0018995.
Inborn genetic diseases. Identifiers: MedGen C0950123, MeSH D030342.

Submissions (2):

Ambry Genetics
Classification: Uncertain significance for Inborn genetic diseases. Last evaluated: 2024-08-20. Review status: criteria provided, single submitter. Criteria: Ambry Variant Classification Scheme 2023. Collection method: clinical testing. Allele origin: germline.

Labcorp Genetics (formerly Invitae), Labcorp
Classification: Uncertain significance for Charcot-Marie-Tooth disease type 4. Last evaluated: 2022-07-17. Review status: criteria provided, single submitter. Criteria: Invitae Variant Classification Sherloc (09022015). Collection method: clinical testing. Allele origin: germline.
Comment: This sequence change replaces glycine, which is neutral and non-polar, with alanine, which is neutral and non-polar, at codon 428 of the PRX protein (p.Gly428Ala). This variant is present in population databases (no rsID available, gnomAD 0.01%). This variant has not been reported in the literature in individuals affected with PRX-related conditions. Algorithms developed to predict the effect of missense changes on protein structure and function are either unavailable or do not agree on the potential impact of this missense change (SIFT: "Tolerated"; PolyPhen-2: "Possibly Damaging"; Align-GVGD: "Class C0"). In summary, the available evidence is currently insufficient to determine the role of this variant in disease. Therefore, it has been classified as a Variant of Uncertain Significance.